The following is an entry in ClinVar:

NM_006904.7(PRKDC):c.7611C>A (p.Asp2537Glu)

Gene: PRKDC (protein kinase, DNA-activated, catalytic subunit; minus strand). Cytogenetic location: 8q11.21.
Variant type: single nucleotide variant.
Coding change: c.7611C>A on transcript NM_006904.7 (MANE Select); coding-DNA position 7611, C replaced by A.
Protein change: p.Asp2537Glu; replaces aspartic acid 2537 with glutamic acid.
Molecular consequence: missense variant.
Genome position (GRCh38, 1-based): chr8:47,837,362, G>T on the plus strand (C>A on the coding strand, the complement: PRKDC is on the minus strand). VCF-style: chr8-47837362-G-T. GRCh37 (hg19) VCF-style: chr8-48749923-G-T.
Other names: c.7611C>A, p.Asp2537Glu (NM_001081640.2); short protein forms D2537E.
Identifiers: ClinVar variation 1759805 (VCV001759805.2), dbSNP rs1442855102, ClinGen allele CA371153225.

ClinVar aggregate classification (germline): Uncertain significance (1 of 4 stars; one submission).

Submission:

Ambry Genetics
Classification: Uncertain significance. Last evaluated: 2021-07-09. Review status: criteria provided, single submitter. Criteria: Ambry Variant Classification Scheme 2023. Collection method: clinical testing. Allele origin: germline.
Comment: The p.D2537E variant (also known as c.7611C>A), located in coding exon 57 of the PRKDC gene, results from a C to A substitution at nucleotide position 7611. The aspartic acid at codon 2537 is replaced by glutamic acid, an amino acid with highly similar properties. This amino acid position is conserved. Since supporting evidence is limited at this time, the clinical significance of this alteration remains unclear.